The following is an entry in ClinVar:

NM_002473.6(MYH9):c.4417G>A (p.Glu1473Lys)

Gene: MYH9 (myosin heavy chain 9; minus strand). Cytogenetic location: 22q12.3.
Variant type: single nucleotide variant.
Coding change: c.4417G>A on transcript NM_002473.6 (MANE Select); coding-DNA position 4417, G replaced by A.
Protein change: p.Glu1473Lys; replaces glutamic acid 1473 with lysine.
Molecular consequence: missense variant.
Genome position (GRCh38, 1-based): chr22:36,289,225, C>T on the plus strand (G>A on the coding strand, the complement: MYH9 is on the minus strand). VCF-style: chr22-36289225-C-T. GRCh37 (hg19) VCF-style: chr22-36685271-C-T.
Other names: short protein forms E1473K.
Identifiers: ClinVar variation 3900972 (VCV003900972.1).

ClinVar aggregate classification (germline): Uncertain significance (1 of 4 stars; one submission).

Submission:

GeneDx
Classification: Uncertain significance. Last evaluated: 2024-12-02. Review status: criteria provided, single submitter. Criteria: GeneDx Variant Classification Process June 2021. Collection method: clinical testing. Allele origin: germline. Affected: yes.
Comment: Not observed at significant frequency in large population cohorts (gnomAD); In silico analysis supports that this missense variant has a deleterious effect on protein structure/function; Has not been previously published as pathogenic or benign to our knowledge